The following is an entry in ClinVar:

NM_000815.5(GABRD):c.80A>G (p.Asp27Gly)

Gene: GABRD (gamma-aminobutyric acid type A receptor subunit delta; plus strand). Cytogenetic location: 1p36.33.
Variant type: single nucleotide variant.
Coding change: c.80A>G on transcript NM_000815.5 (MANE Select); coding-DNA position 80, A replaced by G.
Protein change: p.Asp27Gly; replaces aspartic acid 27 with glycine.
Molecular consequence: missense variant.
Genome position (GRCh38, 1-based): chr1:2,024,953, A>G. VCF-style: chr1-2024953-A-G. GRCh37 (hg19) VCF-style: chr1-1956392-A-G.
Other names: short protein forms D27G.
Identifiers: ClinVar variation 3627433 (VCV003627433.3).

ClinVar aggregate classification (germline): Uncertain significance. Review status: criteria provided, multiple submitters, no conflicts (2 of 4 stars). 2 submissions from 2 submitters: Uncertain significance (2). Last evaluated 2025-11-19.

Conditions:
Idiopathic generalized epilepsy. Also called: EIG; Generalised epilepsy. Identifiers: MedGen C0270850, MONDO:0005579, OMIM 600669.

Submissions (2):

Women's Health and Genetics/Laboratory Corporation of America, LabCorp
Classification: Uncertain significance. Last evaluated: 2025-11-19. Review status: criteria provided, single submitter. Criteria: LabCorp Variant Classification Summary - May 2015. Collection method: clinical testing. Allele origin: germline.
Comment: Variant summary: GABRD c.80A>G (p.Asp27Gly) results in a non-conservative amino acid change in the encoded protein sequence. Algorithms developed to predict the effect of missense changes on protein structure and function are either unavailable or do not agree on the potential impact of this missense change. The variant was absent in 250276 control chromosomes. The available data on variant occurrences in the general population are insufficient to allow any conclusion about variant significance. To our knowledge, no occurrence of c.80A>G in individuals affected with GABRD-related conditions and no experimental evidence demonstrating its impact on protein function have been reported. ClinVar contains an entry for this variant (Variation ID: 3627433). Based on the evidence outlined above, the variant was classified as uncertain significance.

Labcorp Genetics (formerly Invitae), Labcorp
Classification: Uncertain significance for Idiopathic generalized epilepsy. Last evaluated: 2025-06-15. Review status: criteria provided, single submitter. Criteria: Invitae Variant Classification Sherloc (09022015). Collection method: clinical testing. Allele origin: germline.
Comment: This sequence change replaces aspartic acid, which is acidic and polar, with glycine, which is neutral and non-polar, at codon 27 of the GABRD protein (p.Asp27Gly). This variant is not present in population databases (gnomAD no frequency). This variant has not been reported in the literature in individuals affected with GABRD-related conditions. ClinVar contains an entry for this variant (Variation ID: 3627433). An algorithm developed to predict the effect of missense changes on protein structure and function (PolyPhen-2) suggests that this variant is likely to be disruptive. In summary, the available evidence is currently insufficient to determine the role of this variant in disease. Therefore, it has been classified as a Variant of Uncertain Significance.